The following is an entry in ClinVar:

NM_002661.5(PLCG2):c.388C>A (p.His130Asn)

Gene: PLCG2 (phospholipase C gamma 2; plus strand). Cytogenetic location: 16q23.3.
Variant type: single nucleotide variant.
Coding change: c.388C>A on transcript NM_002661.5 (MANE Select); coding-DNA position 388, C replaced by A.
Protein change: p.His130Asn; replaces histidine 130 with asparagine.
Molecular consequence: missense variant.
Genome position (GRCh38, 1-based): chr16:81,858,313, C>A. VCF-style: chr16-81858313-C-A. GRCh37 (hg19) VCF-style: chr16-81891918-C-A.
Other names: short protein forms H130N.
Identifiers: ClinVar variation 2101240 (VCV002101240.4), dbSNP rs751126159, ClinGen allele CA396901572.

ClinVar aggregate classification (germline): Uncertain significance (1 of 4 stars; one submission).

Conditions:
Familial cold autoinflammatory syndrome 3 (FCAS3). Also called: FAMILIAL ATYPICAL COLD URTICARIA; ANTIBODY DEFICIENCY AND IMMUNE DYSREGULATION, PLCG2-ASSOCIATED. Identifiers: Orphanet 300359, MedGen C3280914, MONDO:0013766, OMIM 614468.

gnomAD v4.1: 2 of 1,614,072 alleles (0.00012%); highest among the groups gnomAD compares: Non-Finnish European, 0.000085%; no homozygotes.

Submission:

Labcorp Genetics (formerly Invitae), Labcorp
Classification: Uncertain significance for Familial cold autoinflammatory syndrome 3. Last evaluated: 2022-02-21. Review status: criteria provided, single submitter. Criteria: Invitae Variant Classification Sherloc (09022015). Collection method: clinical testing. Allele origin: germline.
Comment: In summary, the available evidence is currently insufficient to determine the role of this variant in disease. Therefore, it has been classified as a Variant of Uncertain Significance. Algorithms developed to predict the effect of missense changes on protein structure and function (SIFT, PolyPhen-2, Align-GVGD) all suggest that this variant is likely to be tolerated. This variant has not been reported in the literature in individuals affected with PLCG2-related conditions. This variant is not present in population databases (gnomAD no frequency). This sequence change replaces histidine, which is basic and polar, with asparagine, which is neutral and polar, at codon 130 of the PLCG2 protein (p.His130Asn).